The following is an entry in ClinVar:

ClinVar aggregate classification (germline): Conflicting classifications of pathogenicity. Review status: criteria provided, conflicting classifications (1 of 4 stars). 3 submissions from 3 submitters: Uncertain significance (1); Likely benign (1). 1 of the submissions does not count toward it. Last evaluated 2024-10-28.

Conditions:
TRPM1-related disorder. Also called: TRPM1-related condition.

Allele frequency attached by ClinVar (database versions not stated): ExAC 0.00001; gnomAD exomes 0.00001 and 0.00002; TOPMed 0.00001.
gnomAD v4.1: 18 of 1,613,884 alleles (0.0011%); highest among the groups gnomAD compares: East Asian, 0.0045%; no homozygotes.

Submissions (3):

Labcorp Genetics (formerly Invitae), Labcorp
Classification: Likely benign. Last evaluated: 2024-10-28. Review status: criteria provided, single submitter. Criteria: Invitae Variant Classification Sherloc (09022015). Collection method: clinical testing. Allele origin: germline.

Blueprint Genetics
Classification: Uncertain significance. Last evaluated: 2018-01-11. Review status: criteria provided, single submitter. Criteria: ACMG Guidelines, 2015. Collection method: clinical testing. Allele origin: germline.

PreventionGenetics, part of Exact Sciences
Classification: Likely benign for TRPM1-related condition. Last evaluated: 2019-05-28. Review status: no assertion criteria provided. Collection method: clinical testing. Allele origin: germline. Not counted in ClinVar's aggregate classification.
Comment: This variant is classified as likely benign based on ACMG/AMP sequence variant interpretation guidelines (Richards et al. 2015 PMID: 25741868, with internal and published modifications).

NM_001252024.2(TRPM1):c.2317-4G>A

Gene: TRPM1 (transient receptor potential cation channel subfamily M member 1; minus strand). Cytogenetic location: 15q13.3.
Variant type: single nucleotide variant.
Coding change: c.2317-4G>A on transcript NM_001252024.2 (MANE Select); 4 bases into the intron before coding-DNA position 2317, G replaced by A.
Molecular consequence: intron variant.
Genome position (GRCh38, 1-based): chr15:31,038,170, C>T on the plus strand (G>A on the coding strand, the complement: TRPM1 is on the minus strand). VCF-style: chr15-31038170-C-T. GRCh37 (hg19) VCF-style: chr15-31330373-C-T.
Other names: c.2368-4G>A (NM_001252020.1, NM_001252020.2); c.2251-4G>A (NM_002420.6).
Identifiers: ClinVar variation 1137464 (VCV001137464.12), dbSNP rs778537648, ClinGen allele CA7452245.
Genomic context (GRCh38, chr15:31,038,170, plus strand): 5'-ATATGTGCGAAATTCCAAAAACAAGATGGTGGGGGGTAGAAGAATCCCCATGATAACCTA[C>T]GGAACATAAATTGATTTTTTAAGCTGTGGCAATTCTAGAAAAATGTCCCAGCATAGTTAA-3'